The following is an entry in ClinVar:

NM_000017.4(ACADS):c.189A>T (p.Glu63Asp)

Gene: ACADS (acyl-CoA dehydrogenase short chain; plus strand). Cytogenetic location: 12q24.31.
Variant type: single nucleotide variant.
Coding change: c.189A>T on transcript NM_000017.4 (MANE Select); coding-DNA position 189, A replaced by T.
Protein change: p.Glu63Asp; replaces glutamic acid 63 with aspartic acid.
Molecular consequence: missense variant.
Genome position (GRCh38, 1-based): chr12:120,727,168, A>T. VCF-style: chr12-120727168-A-T. GRCh37 (hg19) VCF-style: chr12-121164971-A-T.
Other names: c.189A>T, p.Glu63Asp (NM_001302554.2); short protein forms E63D.
Identifiers: ClinVar variation 2199208 (VCV002199208.1), dbSNP rs371096896, ClinGen allele CA6830776.

ClinVar aggregate classification (germline): Uncertain significance (1 of 4 stars; one submission).

Conditions:
Deficiency of butyryl-CoA dehydrogenase (ACADSD). Also called: SCAD DEFICIENCY, MILD; SCADH DEFICIENCY; SCAD Deficiency; ACADS DEFICIENCY; Short-Chain Acyl-CoA Dehydrogenase Deficiency; ACYL-CoA DEHYDROGENASE, SHORT-CHAIN, DEFICIENCY OF. Identifiers: Orphanet 26792, MedGen C0342783, MONDO:0008722, OMIM 201470. Disease mechanism: May be benign.

Allele frequency attached by ClinVar (database versions not stated): ExAC 0.00002; gnomAD 0.00005; TOPMed 0.00008; ESP Exome Variant Server 0.00015.
gnomAD v4.1: 12 of 1,614,160 alleles (0.00074%); highest among the groups gnomAD compares: African/African-American, 0.015%; no homozygotes.

Submission:

Labcorp Genetics (formerly Invitae), Labcorp
Classification: Uncertain significance for Deficiency of butyryl-CoA dehydrogenase. Last evaluated: 2022-08-05. Review status: criteria provided, single submitter. Criteria: Invitae Variant Classification Sherloc (09022015). Collection method: clinical testing. Allele origin: germline.
Comment: This sequence change replaces glutamic acid, which is acidic and polar, with aspartic acid, which is acidic and polar, at codon 63 of the ACADS protein (p.Glu63Asp). This variant is present in population databases (rs371096896, gnomAD 0.02%). This variant has not been reported in the literature in individuals affected with ACADS-related conditions. Advanced modeling of protein sequence and biophysical properties (such as structural, functional, and spatial information, amino acid conservation, physicochemical variation, residue mobility, and thermodynamic stability) performed at Invitae indicates that this missense variant is not expected to disrupt ACADS protein function. In summary, the available evidence is currently insufficient to determine the role of this variant in disease. Therefore, it has been classified as a Variant of Uncertain Significance.